The following is an entry in ClinVar:

NM_016026.4(RDH11):c.336G>C (p.Lys112Asn)

Genes: GPHN (gephyrin; plus strand), RDH11 (retinol dehydrogenase 11; minus strand). Cytogenetic location: 14q24.1.
Variant type: single nucleotide variant.
Coding change: c.336G>C on transcript NM_016026.4 (MANE Select); coding-DNA position 336, G replaced by C.
Protein change: p.Lys112Asn; replaces lysine 112 with asparagine.
Molecular consequence: missense variant.
Genome position (GRCh38, 1-based): chr14:67,692,451, C>G on the plus strand (G>C on the coding strand, the complement: RDH11 is on the minus strand). VCF-style: chr14-67692451-C-G. GRCh37 (hg19) VCF-style: chr14-68159168-C-G.
Other names: c.336G>C, p.Lys112Asn (NM_001252650.2); short protein forms K112N.
Identifiers: ClinVar variation 954445 (VCV000954445.9), dbSNP rs2037761792, ClinGen allele CA390136542.

ClinVar aggregate classification (germline): Uncertain significance (1 of 4 stars; one submission).

Submission:

Labcorp Genetics (formerly Invitae), Labcorp
Classification: Uncertain significance. Last evaluated: 2024-11-18. Review status: criteria provided, single submitter. Criteria: Invitae Variant Classification Sherloc (09022015). Collection method: clinical testing. Allele origin: germline.
Comment: This sequence change replaces lysine, which is basic and polar, with asparagine, which is neutral and polar, at codon 112 of the RDH11 protein (p.Lys112Asn). This variant is not present in population databases (gnomAD no frequency). This variant has not been reported in the literature in individuals affected with RDH11-related conditions. ClinVar contains an entry for this variant (Variation ID: 954445). An algorithm developed to predict the effect of missense changes on protein structure and function (PolyPhen-2) suggests that this variant is likely to be disruptive. In summary, the available evidence is currently insufficient to determine the role of this variant in disease. Therefore, it has been classified as a Variant of Uncertain Significance.